The following is an entry in ClinVar:

NM_032638.5(GATA2):c.1338C>A (p.Phe446Leu)

Gene: GATA2 (GATA binding protein 2; minus strand). Cytogenetic location: 3q21.3.
Variant type: single nucleotide variant.
Coding change: c.1338C>A on transcript NM_032638.5 (MANE Select); coding-DNA position 1338, C replaced by A.
Protein change: p.Phe446Leu; replaces phenylalanine 446 with leucine.
Molecular consequence: missense variant.
Genome position (GRCh38, 1-based): chr3:128,481,124, G>T on the plus strand (C>A on the coding strand, the complement: GATA2 is on the minus strand). VCF-style: chr3-128481124-G-T. GRCh37 (hg19) VCF-style: chr3-128199967-G-T.
Other names: c.1338C>A, p.Phe446Leu (NM_001145661.2); c.1296C>A, p.Phe432Leu (NM_001145662.1); short protein forms F432L, F446L.
Identifiers: ClinVar variation 2946513 (VCV002946513.3), dbSNP rs2107667798, ClinGen allele CA354412715.

ClinVar aggregate classification (germline): Uncertain significance (1 of 4 stars; one submission).

Conditions:
Deafness-lymphedema-leukemia syndrome. Also called: Lymphedema, primary, with myelodysplasia; Emberger syndrome. Identifiers: Orphanet 3226, MedGen C3279664, MONDO:0013540, OMIM 614038.
Monocytopenia with susceptibility to infections. Also called: MONOCYTOPENIA AND MYCOBACTERIAL INFECTION SYNDROME; MONOCYTOPENIA WITH SUSCEPTIBILITY TO MYCOBACTERIAL, FUNGAL, AND PAPILLOMAVIRUS INFECTIONS AND MYELODYSPLASIA; COMBINED IMMUNODEFICIENCY WITH SUSCEPTIBILITY TO MYCOBACTERIAL, VIRAL, AND FUNGAL INFECTIONS; Dendritic cell, monocyte, B lymphocyte, and natural killer lymphocyte deficiency; IMMUNODEFICIENCY 21; GATA2 DEFICIENCY. Identifiers: Orphanet 228423, MedGen C3280030, MONDO:0013607, OMIM 614172.

Submission:

Labcorp Genetics (formerly Invitae), Labcorp
Classification: Uncertain significance for Monocytopenia with susceptibility to infections; Deafness-lymphedema-leukemia syndrome. Last evaluated: 2023-04-10. Review status: criteria provided, single submitter. Criteria: Invitae Variant Classification Sherloc (09022015). Collection method: clinical testing. Allele origin: germline.
Comment: This variant is not present in population databases (gnomAD no frequency). In summary, the available evidence is currently insufficient to determine the role of this variant in disease. Therefore, it has been classified as a Variant of Uncertain Significance. Advanced modeling of protein sequence and biophysical properties (such as structural, functional, and spatial information, amino acid conservation, physicochemical variation, residue mobility, and thermodynamic stability) has been performed at Invitae for this missense variant, however the output from this modeling did not meet the statistical confidence thresholds required to predict the impact of this variant on GATA2 protein function. This variant has not been reported in the literature in individuals affected with GATA2-related conditions. This sequence change replaces phenylalanine, which is neutral and non-polar, with leucine, which is neutral and non-polar, at codon 446 of the GATA2 protein (p.Phe446Leu).